The following is an entry in ClinVar:

ClinVar aggregate classification (germline): Uncertain significance (1 of 4 stars; one submission).

Conditions:
Hereditary breast ovarian cancer syndrome. Also called: Hereditary breast and ovarian cancer; Breast and ovarian cancer; Hereditary breast and ovarian cancer syndrome; BRCA1- and BRCA2-Associated Hereditary Breast and Ovarian Cancer; Hereditary breast and/or ovarian cancer syndrome; Hereditary breast and ovarian cancer syndrome (HBOC). Identifiers: Orphanet 145, MedGen C0677776, MeSH D061325, MONDO:0003582. Disease mechanism: loss of function.

Submission:

Labcorp Genetics (formerly Invitae), Labcorp
Classification: Uncertain significance for Hereditary breast ovarian cancer syndrome. Last evaluated: 2018-05-03. Review status: criteria provided, single submitter. Criteria: Invitae Variant Classification Sherloc (09022015). Collection method: clinical testing. Allele origin: germline.
Comment: In summary, the available evidence is currently insufficient to determine the role of this variant in disease. Therefore, it has been classified as a Variant of Uncertain Significance. This sequence change replaces histidine with leucine at codon 2417 of the BRCA2 protein (p.His2417Leu). The histidine residue is weakly conserved and there is a moderate physicochemical difference between histidine and leucine. This variant is not present in population databases (ExAC no frequency). This variant has not been reported in the literature in individuals with BRCA2-related disease. Algorithms developed to predict the effect of missense changes on protein structure and function (SIFT, PolyPhen-2, Align-GVGD) all suggest that this variant is likely to be tolerated, but these predictions have not been confirmed by published functional studies and their clinical significance is uncertain.

NM_000059.4(BRCA2):c.7250A>T (p.His2417Leu)

Gene: BRCA2 (BRCA2 DNA repair associated; plus strand). Cytogenetic location: 13q13.1.
Variant type: single nucleotide variant.
Coding change: c.7250A>T on transcript NM_000059.4 (MANE Select); coding-DNA position 7250, A replaced by T.
Protein change: p.His2417Leu; replaces histidine 2417 with leucine.
Molecular consequence: missense variant.
Genome position (GRCh38, 1-based): chr13:32,355,103, A>T. VCF-style: chr13-32355103-A-T. GRCh37 (hg19) VCF-style: chr13-32929240-A-T.
Other names: short protein forms H2417L.
Identifiers: ClinVar variation 575701 (VCV000575701.9), dbSNP rs750264715, ClinGen allele CA387740466.